The following is an entry in ClinVar:

NM_022720.7(DGCR8):c.78C>T (p.Pro26=)

Gene: DGCR8 (DGCR8 microprocessor complex subunit; plus strand). Cytogenetic location: 22q11.21.
Variant type: single nucleotide variant.
Coding change: c.78C>T on transcript NM_022720.7 (MANE Select); coding-DNA position 78, C replaced by T.
Protein change: p.Pro26=; no amino-acid change (proline 26 retained).
Molecular consequence: synonymous variant.
Genome position (GRCh38, 1-based): chr22:20,086,041, C>T. VCF-style: chr22-20086041-C-T. GRCh37 (hg19) VCF-style: chr22-20073564-C-T.
Other names: c.78C>T, p.Pro26= (NM_001190326.2).
Identifiers: ClinVar variation 3030798 (VCV003030798.2), dbSNP rs111669527, ClinGen allele CA322149004.

ClinVar aggregate classification (germline): Likely benign (0 of 4 stars; one submission).

Conditions:
DGCR8-related disorder. Also called: DGCR8-related condition.

Allele frequency attached by ClinVar (database versions not stated): gnomAD exomes 0.00001.
gnomAD v4.1: 20 of 1,613,980 alleles (0.0012%); highest among the groups gnomAD compares: African/African-American, 0.016%; no homozygotes.

Submission:

PreventionGenetics, part of Exact Sciences
Classification: Likely benign for DGCR8-related condition. Last evaluated: 2021-03-23. Review status: no assertion criteria provided. Collection method: clinical testing. Allele origin: germline.
Comment: This variant is classified as likely benign based on ACMG/AMP sequence variant interpretation guidelines (Richards et al. 2015 PMID: 25741868, with internal and published modifications).